The following is an entry in ClinVar:

NM_001031689.3(PLAA):c.1436C>T (p.Pro479Leu)

Gene: PLAA (phospholipase A2 activating protein; minus strand). Cytogenetic location: 9p21.2.
Variant type: single nucleotide variant.
Coding change: c.1436C>T on transcript NM_001031689.3 (MANE Select); coding-DNA position 1436, C replaced by T.
Protein change: p.Pro479Leu; replaces proline 479 with leucine.
Molecular consequence: missense variant. On other transcripts: intron variant (1).
Genome position (GRCh38, 1-based): chr9:26,917,147, G>A on the plus strand (C>T on the coding strand, the complement: PLAA is on the minus strand). VCF-style: chr9-26917147-G-A. GRCh37 (hg19) VCF-style: chr9-26917145-G-A.
Other names: c.1417+2163C>T (NM_001321546.2); short protein forms P479L.
Identifiers: ClinVar variation 2233665 (VCV002233665.5), dbSNP rs1399400470, ClinGen allele CA373131305.
Genomic context (GRCh38, chr9:26,917,147, plus strand): 5'-TACATCCCACCTGTAAAAGGATCTGCTGTGGGTAGTGTGTTAGAAGATCCCGAAGAGCCC[G>A]GAACATACCGACCACCACCTGTGCATGCAAAATAAAGAAAAGGCAGAAGTGCACCAAAGT-3'
Protein context (NP_001026859.1, residues 469-489): DPFTGGGRYV[Pro479Leu]GSSGSSNTLP

ClinVar aggregate classification (germline): Uncertain significance. Review status: criteria provided, multiple submitters, no conflicts (2 of 4 stars). 2 submissions from 2 submitters: Uncertain significance (2). Last evaluated 2026-01-05.

Conditions:
Inborn genetic diseases. Identifiers: MedGen C0950123, MeSH D030342.

Allele frequency attached by ClinVar (database versions not stated): gnomAD 0.00001; gnomAD exomes 0.00001; TOPMed below 0.00001.

Submissions (2):

Labcorp Genetics (formerly Invitae), Labcorp
Classification: Uncertain significance. Last evaluated: 2026-01-05. Review status: criteria provided, single submitter. Criteria: Invitae Variant Classification Sherloc (09022015). Collection method: clinical testing. Allele origin: germline.
Comment: This sequence change replaces proline, which is neutral and non-polar, with leucine, which is neutral and non-polar, at codon 479 of the PLAA protein (p.Pro479Leu). This variant is present in population databases (no rsID available, gnomAD 0.003%). This variant has not been reported in the literature in individuals affected with PLAA-related conditions. ClinVar contains an entry for this variant (Variation ID: 2233665). Invitae Evidence Modeling of protein sequence and biophysical properties (such as structural, functional, and spatial information, amino acid conservation, physicochemical variation, residue mobility, and thermodynamic stability) indicates that this missense variant is expected to disrupt PLAA protein function with a positive predictive value of 80%. In summary, the available evidence is currently insufficient to determine the role of this variant in disease. Therefore, it has been classified as a Variant of Uncertain Significance.

Ambry Genetics
Classification: Uncertain significance for Inborn genetic diseases. Last evaluated: 2021-06-18. Review status: criteria provided, single submitter. Criteria: Ambry Variant Classification Scheme 2023. Collection method: clinical testing. Allele origin: germline.